The following is an entry in ClinVar:

ClinVar aggregate classification (germline): Uncertain significance (1 of 4 stars; one submission).

Conditions:
Arrhythmogenic cardiomyopathy with wooly hair and keratoderma. Also called: Arrhythmogenic cardiomyopathy with woolly hair and keratoderma; PALMOPLANTAR KERATODERMA WITH LEFT VENTRICULAR CARDIOMYOPATHY AND WOOLLY HAIR; Carvajal syndrome; Dilated cardiomyopathy with woolly hair and keratoderma. Identifiers: Orphanet 65282, MedGen C1854063, MONDO:0011581, OMIM 605676.
Arrhythmogenic right ventricular dysplasia 8 (ARVD8). Also called: Arrhythmogenic Right Ventricular Dysplasia/Cardiomyopathy 8; ARRHYTHMOGENIC RIGHT VENTRICULAR DYSPLASIA, FAMILIAL, 8; ARRHYTHMOGENIC RIGHT VENTRICULAR CARDIOMYOPATHY 8. Identifiers: MedGen C1843896, MONDO:0011831, OMIM 607450.

gnomAD v4.1: 1 of 1,614,216 alleles (0.000062%); highest among the groups gnomAD compares: Non-Finnish European, 0.000085%; no homozygotes.

Submission:

Labcorp Genetics (formerly Invitae), Labcorp
Classification: Uncertain significance for Arrhythmogenic cardiomyopathy with wooly hair and keratoderma; Arrhythmogenic right ventricular dysplasia 8. Last evaluated: 2025-02-27. Review status: criteria provided, single submitter. Criteria: Invitae Variant Classification Sherloc (09022015). Collection method: clinical testing. Allele origin: germline.
Comment: This sequence change replaces serine, which is neutral and polar, with glycine, which is neutral and non-polar, at codon 2584 of the DSP protein (p.Ser2584Gly). This variant is present in population databases (rs755017000, gnomAD 0.0009%). This variant has not been reported in the literature in individuals affected with DSP-related conditions. An algorithm developed to predict the effect of missense changes on protein structure and function outputs the following: PolyPhen-2: "Benign". The glycine amino acid residue is found in multiple mammalian species, which suggests that this missense change does not adversely affect protein function. In summary, the available evidence is currently insufficient to determine the role of this variant in disease. Therefore, it has been classified as a Variant of Uncertain Significance.

NM_004415.4(DSP):c.7750A>G (p.Ser2584Gly)

Gene: DSP (desmoplakin; plus strand). Cytogenetic location: 6p24.3.
Variant type: single nucleotide variant.
Coding change: c.7750A>G on transcript NM_004415.4 (MANE Select); coding-DNA position 7750, A replaced by G.
Protein change: p.Ser2584Gly; replaces serine 2584 with glycine.
Molecular consequence: missense variant.
Genome position (GRCh38, 1-based): chr6:7,585,012, A>G. VCF-style: chr6-7585012-A-G. GRCh37 (hg19) VCF-style: chr6-7585245-A-G.
Other names: c.5953A>G, p.Ser1985Gly (NM_001008844.3); c.6421A>G, p.Ser2141Gly (NM_001319034.2); short protein forms S1985G, S2141G, S2584G.
Identifiers: ClinVar variation 3760475 (VCV003760475.2).